The following is an entry in ClinVar:

NM_025137.4(SPG11):c.3039-5T>G

Gene: SPG11 (SPG11 vesicle trafficking associated, spatacsin; minus strand). Cytogenetic location: 15q21.1.
Variant type: single nucleotide variant.
Coding change: c.3039-5T>G on transcript NM_025137.4 (MANE Select); 5 bases into the intron before coding-DNA position 3039, T replaced by G.
Molecular consequence: intron variant.
Genome position (GRCh38, 1-based): chr15:44,613,541, A>C on the plus strand (T>G on the coding strand, the complement: SPG11 is on the minus strand). VCF-style: chr15-44613541-A-C. GRCh37 (hg19) VCF-style: chr15-44905739-A-C.
Other names: c.3039-5T>G (NM_001160227.2).
Identifiers: ClinVar variation 489159 (VCV000489159.12), dbSNP rs763224175, ClinGen allele CA7535074.

ClinVar aggregate classification (germline): Pathogenic/Likely pathogenic. Review status: criteria provided, multiple submitters, no conflicts (2 of 4 stars). 6 submissions from 6 submitters: Pathogenic (2); Likely pathogenic (3). 1 of the submissions does not count toward it. Last evaluated 2024-12-02.

Conditions:
Hereditary spastic paraplegia. Also called: Familial spastic paraparesis. Identifiers: Orphanet 685, MedGen C0037773, MONDO:0019064. Disease mechanism: loss of function.
Hereditary spastic paraplegia 11. Also called: Nakamura Osame syndrome; Autosomal recessive hereditary spastic paraplegia, mental impairment, and thin corpus callosum; Spastic Paraplegia 11; SPASTIC PARAPLEGIA, AUTOSOMAL RECESSIVE, COMPLICATED, WITH THIN CORPUS CALLOSUM; SPASTIC PARAPLEGIA, AUTOSOMAL RECESSIVE, WITH MENTAL IMPAIRMENT AND THIN CORPUS CALLOSUM; Spastic paraplegia, mental retardation and thin corpus callosum. Identifiers: Orphanet 2822, MedGen C1858479, MONDO:0011445, OMIM 604360.
SPG11-related disorder. Also called: SPG11-related condition.

Allele frequency attached by ClinVar (database versions not stated): ExAC 0.00001; gnomAD exomes 0.00001.
gnomAD v4.1: 16 of 1,589,212 alleles (0.001%); highest among the groups gnomAD compares: Admixed American, 0.0083%; no homozygotes.

Submissions (6):

Labcorp Genetics (formerly Invitae), Labcorp
Classification: Pathogenic for Hereditary spastic paraplegia 11. Last evaluated: 2024-12-02. Review status: criteria provided, single submitter. Criteria: Invitae Variant Classification Sherloc (09022015). Collection method: clinical testing. Allele origin: germline.
Comment: This sequence change falls in intron 16 of the SPG11 gene. It does not directly change the encoded amino acid sequence of the SPG11 protein. RNA analysis indicates that this variant induces altered splicing and may result in an absent or altered protein product. This variant is present in population databases (rs763224175, gnomAD 0.009%). This variant has been observed in individual(s) with clinical features of spastic ataxia and/or hereditary spastic paraplegia (PMID: 33059505, 35326432). In at least one individual the data is consistent with being in trans (on the opposite chromosome) from a pathogenic variant. ClinVar contains an entry for this variant (Variation ID: 489159). Studies have shown that this variant results in activation of a cryptic splice site and inclusion of 4 nucleotides from intron 16, and produces a non-functional protein and/or introduces a premature termination codon (PMID: 33059505). For these reasons, this variant has been classified as Pathogenic.

Dasa
Classification: Likely pathogenic. Last evaluated: 2024-11-13. Review status: criteria provided, single submitter. Criteria: DASA Assertion Criteria. Collection method: clinical testing. Allele origin: germline.
Comment: NM_025137.4(SPG11):c.3039-5T>G is a splice-region variant. Segregation data support an association with disease in the reported family/families (PMID: 35326432). This variant has been reported in individuals with SPG11-related disorders (PMID: 35326432). Also, this variant is rare in population databases. Computational evidence supports a deleterious effect. Based on the currently available evidence, this variant is classified as likely pathogenic.

Women's Health and Genetics/Laboratory Corporation of America, LabCorp
Classification: Likely pathogenic for Hereditary spastic paraplegia. Last evaluated: 2023-08-11. Review status: criteria provided, single submitter. Criteria: LabCorp Variant Classification Summary - May 2015. Collection method: clinical testing. Allele origin: germline.
Comment: Variant summary: SPG11 c.3039-5T>G alters a conserved nucleotide located close to a canonical splice site and therefore could affect mRNA splicing, leading to a significantly altered protein sequence. Several computational tools predict a significant impact on normal splicing: Two predict the variant abolishes and one predicts it weakens the canonical 3' acceptor site. These three tools also predict the variant create a new a 3' acceptor site upstream within the intron. Two publications report experimental evidence that this variant indeed affects mRNA splicing, leading to a frameshift and premature termination codon (Carrasco Salas_2022, Santos_2022). The variant allele was found at a frequency of 1.2e-05 in 250202 control chromosomes (gnomAD). c.3039-5T>G has been reported in the literature as a compound heterozygous genotype in three individuals affected with Hereditary Spastic Paraplegia, Type 11, including at least one case where it was confirmed to be in trans with a pathogenic variant (Carrasco Salas_2022, Santos_2022). These data indicate that the variant is likely associated with disease. The following publications have been ascertained in the context of this evaluation (PMID: 33059505, 35326432). Two submitters have cited clinical-significance assessments for this variant to ClinVar after 2014. One submitter classified the variant as likely pathogenic, and one submitter classified the variant as uncertain significance. Based on the evidence outlined above, the variant was classified as likely pathogenic.

Blueprint Genetics
Classification: Likely pathogenic for SPG11-related disorders. Last evaluated: 2023-08-02. Review status: criteria provided, single submitter. Criteria: ACMG Guidelines, 2015. Collection method: clinical testing. Allele origin: germline. Affected: yes. Observed: 1 variant allele.

Paris Brain Institute, Inserm - ICM
Classification: Pathogenic for Hereditary spastic paraplegia 11. Review status: criteria provided, single submitter. Criteria: ACMG Guidelines, 2015. Collection method: clinical testing. Allele origin: unknown. Affected: yes. Observed: 5 variant alleles.

GeneDx
Classification: Uncertain significance. Last evaluated: 2017-11-25. Review status: flagged submission. Criteria: GeneDx Variant Classification (06012015). Collection method: clinical testing. Allele origin: germline. Affected: yes. Not counted in ClinVar's aggregate classification.
Comment: A variant of uncertain significance has been identified in the SPG11 gene. The c.3039-5 T>G variant has not been published as a pathogenic variant, nor has it been reported as a benign variant to our knowledge. This variant is not observed at a significant frequency in large population cohorts (Lek et al., 2016). In-silico analyses, including splicepredictors and evolutionary conservation, support a deleterious effect. However, in the absence of RNA/functionalstudies, the actual effect of this sequence change in this individual is unknown. Therefore, based on the currently available information, it is unclear whether this variant is a pathogenic variant or a rare benign variant.
ClinVar note: Reason: Older and outlier claim with insufficient supporting evidence

Literature cited by the submitters: PubMed 33059505 (cited by Labcorp Genetics (formerly Invitae), Labcorp and Women's Health and Genetics/Laboratory Corporation of America, LabCorp); PubMed 35326432 (cited by 3 submitters).